The following is an entry in ClinVar:

ClinVar aggregate classification (germline): Uncertain significance (1 of 4 stars; one submission).

Conditions:
POLD1-related polyposis and colorectal cancer syndrome (CRCS10). Also called: Colorectal cancer 10; COLORECTAL CANCER, SUSCEPTIBILITY TO, ON CHROMOSOME 19q; Colorectal cancer, susceptibility to, 10. Identifiers: Orphanet 220460, MedGen C2675481, MONDO:0012953, OMIM 612591.

gnomAD v4.1: 1 of 1,613,552 alleles (0.000062%); highest among the groups gnomAD compares: Non-Finnish European, 0.000085%; no homozygotes.

Submission:

Labcorp Genetics (formerly Invitae), Labcorp
Classification: Uncertain significance for POLD1-related polyposis and colorectal cancer syndrome. Last evaluated: 2024-11-16. Review status: criteria provided, single submitter. Criteria: Invitae Variant Classification Sherloc (09022015). Collection method: clinical testing. Allele origin: germline.
Comment: This sequence change replaces arginine, which is basic and polar, with proline, which is neutral and non-polar, at codon 386 of the POLD1 protein (p.Arg386Pro). This variant is not present in population databases (gnomAD no frequency). This variant has not been reported in the literature in individuals affected with POLD1-related conditions. Invitae Evidence Modeling of protein sequence and biophysical properties (such as structural, functional, and spatial information, amino acid conservation, physicochemical variation, residue mobility, and thermodynamic stability) has been performed for this missense variant. However, the output from this modeling did not meet the statistical confidence thresholds required to predict the impact of this variant on POLD1 protein function. In summary, the available evidence is currently insufficient to determine the role of this variant in disease. Therefore, it has been classified as a Variant of Uncertain Significance.

NM_002691.4(POLD1):c.1157G>C (p.Arg386Pro)

Gene: POLD1 (DNA polymerase delta 1, catalytic subunit; plus strand). Cytogenetic location: 19q13.33.
Variant type: single nucleotide variant.
Coding change: c.1157G>C on transcript NM_002691.4 (MANE Select); coding-DNA position 1157, G replaced by C.
Protein change: p.Arg386Pro; replaces arginine 386 with proline.
Molecular consequence: missense variant. On other transcripts: non-coding transcript variant (1).
Genome position (GRCh38, 1-based): chr19:50,403,512, G>C. VCF-style: chr19-50403512-G-C. GRCh37 (hg19) VCF-style: chr19-50906769-G-C.
Other names: c.1157G>C, p.Arg386Pro (NM_001256849.1, NM_001308632.1); short protein forms R386P.
Identifiers: ClinVar variation 3664827 (VCV003664827.2).
Genomic context (GRCh38, chr19:50,403,512, plus strand): 5'-AGGGCAACCACCAGGGTGACCCAATGTGCTCCCACCCCCAGGCCTGGTCCACCTTCATCC[G>C]TATCATGGACCCCGACGTGATCACCGGTTACAACATCCAGAACTTCGACCTTCCGTACCT-3'
Protein context (NP_002682.2, residues 376-396): DLLQAWSTFI[Arg386Pro]IMDPDVITGY